The following is an entry in ClinVar:

ClinVar aggregate classification (germline): Uncertain significance (0 of 4 stars; one submission).

Conditions:
Atrial septal defect 4 (ASD4). Identifiers: Orphanet 1478, MedGen C1969657, MONDO:0012654, OMIM 611363.

Submission:

Laboratory of Genomics, Instituto Nacional de Cardiología Ignacio Chávez
Classification: Uncertain significance for Atrial septal defect 4. Review status: no assertion criteria provided. Collection method: not provided. Allele origin: unknown.
ClinVar note: Converted during submission from unknown to Uncertain significance.

NM_001077653.2(TBX20):c.925T>G (p.Tyr309Asp)

Gene: TBX20 (T-box transcription factor 20; minus strand). Cytogenetic location: 7p14.2.
Variant type: single nucleotide variant.
Coding change: c.925T>G on transcript NM_001077653.2 (MANE Select); coding-DNA position 925, T replaced by G.
Protein change: p.Tyr309Asp; replaces tyrosine 309 with aspartic acid.
Molecular consequence: missense variant.
Genome position (GRCh38, 1-based): chr7:35,204,548, A>C on the plus strand (T>G on the coding strand, the complement: TBX20 is on the minus strand). VCF-style: chr7-35204548-A-C. GRCh37 (hg19) VCF-style: chr7-35244160-A-C.
Other names: c.925T>G, p.Tyr309Asp (LRG_755t1); short protein forms Y309D.
Identifiers: ClinVar variation 132833 (VCV000132833.2), dbSNP rs111862418, ClinGen allele CA156252.
Genomic context (GRCh38, chr7:35,204,548, plus strand): 5'-GACTCTCATCCCCCAAGACATCTTCTTCTCCTCCGTAGGTACGGATGGGTGAGCGTGCAT[A>C]GGAATGCTTTTGAATCAGGCTCTCCACACTTTCCCTAGGTTAGAGTGACATATCACAGGT-3'
Protein context (NP_001071121.1, residues 299-319): SVESLIQKHS[Tyr309Asp]ARSPIRTYGG